The following is an entry in ClinVar:

NM_002303.6(LEPR):c.2674-5780A>T

Gene: LEPR (leptin receptor; plus strand). Cytogenetic location: 1p31.3.
Variant type: single nucleotide variant.
Coding change: c.2674-5780A>T on transcript NM_002303.6 (MANE Select); 5780 bases into the intron before coding-DNA position 2674, A replaced by T.
Molecular consequence: intron variant. On other transcripts: 3 prime UTR variant (2).
Genome position (GRCh38, 1-based): chr1:65,630,411, A>T. VCF-style: chr1-65630411-A-T. GRCh37 (hg19) VCF-style: chr1-66096094-A-T.
Other names: c.*6A>T (NM_001003680.3, NM_001198687.2); c.2674-2741A>T (NM_001003679.3, NM_001198689.2).
Identifiers: ClinVar variation 3057518 (VCV003057518.2), dbSNP rs1316060428, ClinGen allele CA523593568.

ClinVar aggregate classification (germline): Likely benign (0 of 4 stars; one submission).

Conditions:
LEPR-related disorder. Also called: LEPR-related disorders; LEPR-related condition.

Allele frequency attached by ClinVar (database versions not stated): gnomAD 0.00020.

Submission:

PreventionGenetics, part of Exact Sciences
Classification: Likely benign for LEPR-related condition. Last evaluated: 2020-08-21. Review status: no assertion criteria provided. Collection method: clinical testing. Allele origin: germline.
Comment: This variant is classified as likely benign based on ACMG/AMP sequence variant interpretation guidelines (Richards et al. 2015 PMID: 25741868, with internal and published modifications).